The following is an entry in ClinVar:

NM_000525.4(KCNJ11):c.133G>A (p.Ala45Thr)

Gene: KCNJ11 (potassium inwardly rectifying channel subfamily J member 11; minus strand). Cytogenetic location: 11p15.1.
Variant type: single nucleotide variant.
Coding change: c.133G>A on transcript NM_000525.4 (MANE Select); coding-DNA position 133, G replaced by A.
Protein change: p.Ala45Thr; replaces alanine 45 with threonine.
Molecular consequence: missense variant. On other transcripts: intron variant (3).
Genome position (GRCh38, 1-based): chr11:17,387,959, C>T on the plus strand (G>A on the coding strand, the complement: KCNJ11 is on the minus strand). VCF-style: chr11-17387959-C-T. GRCh37 (hg19) VCF-style: chr11-17409506-C-T.
Other names: c.-16-113G>A (NM_001166290.2, NM_001377297.1); c.-17+59G>A (NM_001377296.1); short protein forms A45T.
Identifiers: ClinVar variation 3346100 (VCV003346100.1).

ClinVar aggregate classification (germline): Uncertain significance (0 of 4 stars; one submission).

Conditions:
KCNJ11-related disorder. Also called: KCNJ11-related condition; KCNJ11-related disorders.

Submission:

PreventionGenetics, part of Exact Sciences
Classification: Uncertain significance for KCNJ11-related condition. Last evaluated: 2024-05-27. Review status: no assertion criteria provided. Collection method: clinical testing. Allele origin: germline.
Comment: The KCNJ11 c.133G>A variant is predicted to result in the amino acid substitution p.Ala45Thr. To our knowledge, this variant has not been reported in the literature or in a large population database, indicating this variant is rare. A different missense change impacting the same amino acid (c.133G>T, p.Ala45Ser) has been reported in an individual with diabetes that was inherited from an unaffected parent (Table 2, De Franco et al. 2020. PubMed ID: 32027066). Although we suspect that this variant may be pathogenic, at this time, the clinical significance of this variant is uncertain due to the absence of conclusive functional and genetic evidence.